The following is an entry in ClinVar:

NM_014874.4(MFN2):c.467G>T (p.Ser156Ile)

Gene: MFN2 (mitofusin 2; plus strand). Cytogenetic location: 1p36.22.
Variant type: single nucleotide variant.
Coding change: c.467G>T on transcript NM_014874.4 (MANE Select); coding-DNA position 467, G replaced by T.
Protein change: p.Ser156Ile; replaces serine 156 with isoleucine.
Molecular consequence: missense variant.
Genome position (GRCh38, 1-based): chr1:11,996,311, G>T. VCF-style: chr1-11996311-G-T. GRCh37 (hg19) VCF-style: chr1-12056368-G-T.
Other names: c.467G>T, p.Ser156Ile (NM_001127660.2); short protein forms S156I.
Identifiers: ClinVar variation 585713 (VCV000585713.15), dbSNP rs1557521949, ClinGen allele CA338435198.

ClinVar aggregate classification (germline): Conflicting classifications of pathogenicity. Review status: criteria provided, conflicting classifications (1 of 4 stars). 7 submissions from 7 submitters: Pathogenic (1); Likely pathogenic (1); Uncertain significance (4). 1 of the submissions does not count toward it. Last evaluated 2024-03-15.

Conditions:
Charcot-Marie-Tooth disease type 2. Also called: Charcot-Marie-Tooth type 2. Identifiers: Orphanet 64746, MedGen C0270914, MONDO:0018993.
Inborn genetic diseases. Identifiers: MedGen C0950123, MeSH D030342.
MFN2-related disorder. Also called: MFN2-related condition; MFN2-related disorders.
Charcot-Marie-Tooth disease. Also called: Charcot-Marie-Tooth Hereditary Neuropathy; Charcot-Marie-Tooth Neuropathy. Identifiers: Orphanet 166, MedGen C0007959, MONDO:0015626.

Submissions (7):

Blueprint Genetics
Classification: Likely pathogenic for MFN2-related disorders. Last evaluated: 2024-03-15. Review status: criteria provided, single submitter. Criteria: ACMG Guidelines, 2015. Collection method: clinical testing. Allele origin: de novo. Affected: yes. Observed: 2 variant alleles.

Labcorp Genetics (formerly Invitae), Labcorp
Classification: Pathogenic for Charcot-Marie-Tooth disease type 2. Last evaluated: 2024-01-02. Review status: criteria provided, single submitter. Criteria: Invitae Variant Classification Sherloc (09022015). Collection method: clinical testing. Allele origin: germline.
Comment: This sequence change replaces serine, which is neutral and polar, with isoleucine, which is neutral and non-polar, at codon 156 of the MFN2 protein (p.Ser156Ile). This variant is not present in population databases (gnomAD no frequency). This missense change has been observed in individuals with autosomal dominant Charcot-Marie-Tooth disease (PMID: 20008656, 32376792; Invitae). ClinVar contains an entry for this variant (Variation ID: 585713). Advanced modeling of protein sequence and biophysical properties (such as structural, functional, and spatial information, amino acid conservation, physicochemical variation, residue mobility, and thermodynamic stability) performed at Invitae indicates that this missense variant is expected to disrupt MFN2 protein function with a positive predictive value of 95%. For these reasons, this variant has been classified as Pathogenic.

Women's Health and Genetics/Laboratory Corporation of America, LabCorp
Classification: Uncertain significance. Last evaluated: 2022-10-11. Review status: criteria provided, single submitter. Criteria: LabCorp Variant Classification Summary - May 2015. Collection method: clinical testing. Allele origin: germline.
Comment: Variant summary: MFN2 c.467G>T (p.Ser156Ile) results in a non-conservative amino acid change located in the Dynamin-type guanine nucleotide-binding (G) domain (IPR030381) of the encoded protein sequence. Five in-silico tools predict a damaging effect of the variant on protein function. The variant was absent in 251218 control chromosomes. The available data on variant occurrences in the general population are insufficient to allow any conclusion about variant significance. c.467G>T has been reported in the literature in one individual affected with MFN2-Related Disorder (Calvo_2009). This data do not allow any conclusion about variant significance. To our knowledge, no experimental evidence demonstrating an impact on protein function has been reported. Two clinical diagnostic laboratories have submitted clinical-significance assessments for this variant to ClinVar after 2014 and classified the variant as uncertain significance. Based on the evidence outlined above, the variant was classified as uncertain significance.

Ambry Genetics
Classification: Uncertain significance for Inborn genetic diseases. Last evaluated: 2022-03-07. Review status: criteria provided, single submitter. Criteria: Ambry Variant Classification Scheme 2023. Collection method: clinical testing. Allele origin: germline.
Comment: The p.S156I variant (also known as c.467G>T), located in coding exon 3 of the MFN2 gene, results from a G to T substitution at nucleotide position 467. The serine at codon 156 is replaced by isoleucine, an amino acid with dissimilar properties. This alteration was detected in an individual with MFN2-related disease (Calvo J et al. Arch Neurol, 2009 Dec;66:1511-6). This amino acid position is well conserved in available vertebrate species. In addition, this alteration is predicted to be deleterious by in silico analysis. Since supporting evidence is limited at this time, the clinical significance of this alteration remains unclear.

Athena Diagnostics
Classification: Uncertain significance. Last evaluated: 2018-01-30. Review status: criteria provided, single submitter. Criteria: Athena Diagnostics Criteria. Collection method: clinical testing. Allele origin: germline.

Molecular Genetics Laboratory, London Health Sciences Centre
Classification: Uncertain significance for Charcot-Marie-Tooth disease. Review status: criteria provided, single submitter. Criteria: ACMG Guidelines, 2015. Collection method: clinical testing. Allele origin: germline. Affected: yes.

Inherited Neuropathy Consortium
Classification: Uncertain significance for Charcot-Marie-Tooth disease. Review status: no assertion criteria provided. Collection method: literature only. Allele origin: germline. Affected: yes. Not counted in ClinVar's aggregate classification.

Literature cited by the submitters: PubMed 20008656 (cited by 5 submitters); PubMed 32376792 (cited by Labcorp Genetics (formerly Invitae), Labcorp and Women's Health and Genetics/Laboratory Corporation of America, LabCorp); PubMed 26143526 (cited by Athena Diagnostics).